The following is an entry in ClinVar:

ClinVar aggregate classification (germline): Uncertain significance. Review status: criteria provided, multiple submitters, no conflicts (2 of 4 stars). 2 submissions from 2 submitters: Uncertain significance (2). Last evaluated 2025-11-16.

Conditions:
CARMIL2-related disorder. Also called: CARMIL2-related condition.

Allele frequency attached by ClinVar (database versions not stated): TOPMed 0.00046; ESP Exome Variant Server 0.00008; gnomAD exomes 0.00016; ExAC 0.00019; gnomAD 0.00025; 1000 Genomes Project 30x 0.00031; 1000 Genomes Project 0.00040.
gnomAD v4.1: 193 of 1,611,162 alleles (0.012%); highest among the groups gnomAD compares: Admixed American, 0.11%; 1 homozygote.

Submissions (2):

Labcorp Genetics (formerly Invitae), Labcorp
Classification: Uncertain significance. Last evaluated: 2025-11-16. Review status: criteria provided, single submitter. Criteria: Invitae Variant Classification Sherloc (09022015). Collection method: clinical testing. Allele origin: germline.
Comment: This sequence change replaces arginine, which is basic and polar, with glutamine, which is neutral and polar, at codon 278 of the CARMIL2 protein (p.Arg278Gln). This variant is present in population databases (rs371235689, gnomAD 0.05%). This missense change has been observed in individual(s) with clinical features of CARMIL2-related conditions (PMID: 35753512). ClinVar contains an entry for this variant (Variation ID: 1524812). Invitae Evidence Modeling of protein sequence and biophysical properties (such as structural, functional, and spatial information, amino acid conservation, physicochemical variation, residue mobility, and thermodynamic stability) indicates that this missense variant is not expected to disrupt CARMIL2 protein function with a negative predictive value of 80%. In summary, the available evidence is currently insufficient to determine the role of this variant in disease. Therefore, it has been classified as a Variant of Uncertain Significance.

PreventionGenetics, part of Exact Sciences
Classification: Uncertain significance for CARMIL2-related condition. Last evaluated: 2025-02-05. Review status: criteria provided, single submitter. Criteria: ACMG Guidelines, 2015. Collection method: clinical testing. Allele origin: germline.
Comment: The CARMIL2 c.833G>A variant is predicted to result in the amino acid substitution p.Arg278Gln. This variant has been reported as a variant of uncertain significance alongside a second variant of uncertain significance described as c.3554A>C (p.Glu1185Ala) in a patient affected with immunodeficiency (Table E3, Similuk et al. 2022. PubMed ID: 35753512). However, the phase of the variants was not reported. This variant is reported in 0.054% of alleles in individuals of Latino descent in gnomAD. At this time, the clinical significance of this variant is uncertain due to the absence of conclusive functional and genetic evidence.

Literature cited by the submitters: PubMed 35753512 (cited by Labcorp Genetics (formerly Invitae), Labcorp).

NM_001013838.3(CARMIL2):c.833G>A (p.Arg278Gln)

Gene: CARMIL2 (capping protein regulator and myosin 1 linker 2; plus strand). Cytogenetic location: 16q22.1.
Variant type: single nucleotide variant.
Coding change: c.833G>A on transcript NM_001013838.3 (MANE Select); coding-DNA position 833, G replaced by A.
Protein change: p.Arg278Gln; replaces arginine 278 with glutamine.
Molecular consequence: missense variant.
Genome position (GRCh38, 1-based): chr16:67,647,564, G>A. VCF-style: chr16-67647564-G-A. GRCh37 (hg19) VCF-style: chr16-67681467-G-A.
Other names: c.833G>A, p.Arg278Gln (NM_001317026.3); c.833G>A (NM_001013838.1); short protein forms R278Q.
Identifiers: ClinVar variation 1524812 (VCV001524812.6), dbSNP rs371235689, ClinGen allele CA8113235.